The following is an entry in ClinVar:

NM_018486.3(HDAC8):c.738-2A>G

Gene: HDAC8 (histone deacetylase 8; minus strand). Cytogenetic location: Xq13.1.
Variant type: single nucleotide variant.
Coding change: c.738-2A>G on transcript NM_018486.3 (MANE Select); the canonical splice acceptor site of the intron before coding-DNA position 738, A replaced by G.
Molecular consequence: splice acceptor variant.
Genome position (GRCh38, 1-based): chrX:72,464,733, T>C on the plus strand (A>G on the coding strand, the complement: HDAC8 is on the minus strand). VCF-style: chrX-72464733-T-C. GRCh37 (hg19) VCF-style: chrX-71684583-T-C.
Other names: c.465-2A>G (NM_001166418.2, NM_001410728.1); c.660-2A>G (NM_001410727.1); c.738-2A>G (NM_001410725.1, NM_001410729.1, NM_018486.2).
Identifiers: ClinVar variation 2819953 (VCV002819953.4), dbSNP rs2520420090, ClinGen allele CA413643451.

ClinVar aggregate classification (germline): Pathogenic/Likely pathogenic. Review status: criteria provided, multiple submitters, no conflicts (2 of 4 stars). 2 submissions from 2 submitters: Pathogenic (1); Likely pathogenic (1). Last evaluated 2022-12-10.

Conditions:
Cornelia de Lange syndrome 5 (CDLS5). Also called: HDAC8-Related Cornelia de Lange Syndrome. Identifiers: Orphanet 199, MedGen C3550903, MONDO:0010471, OMIM 300882.

Submissions (2):

Labcorp Genetics (formerly Invitae), Labcorp
Classification: Likely pathogenic for Cornelia de Lange syndrome 5. Last evaluated: 2022-12-10. Review status: criteria provided, single submitter. Criteria: Invitae Variant Classification Sherloc (09022015). Collection method: clinical testing. Allele origin: germline.
Comment: In summary, the currently available evidence indicates that the variant is pathogenic, but additional data are needed to prove that conclusively. Therefore, this variant has been classified as Likely Pathogenic. Algorithms developed to predict the effect of sequence changes on RNA splicing suggest that this variant may disrupt the consensus splice site. This variant has not been reported in the literature in individuals affected with HDAC8-related conditions. This variant is not present in population databases (gnomAD no frequency). This sequence change affects an acceptor splice site in intron 7 of the HDAC8 gene. It is expected to disrupt RNA splicing. Variants that disrupt the donor or acceptor splice site typically lead to a loss of protein function (PMID: 16199547), and loss-of-function variants in HDAC8 are known to be pathogenic (PMID: 19605684, 22885700, 24403048, 25075551, 26671848).

Clinical Genetics Laboratory, Skane University Hospital Lund
Classification: Pathogenic. Last evaluated: 2022-05-27. Review status: criteria provided, single submitter. Criteria: ACMG Guidelines, 2015. Collection method: clinical testing. Allele origin: germline. Affected: yes.

Literature cited by the submitters: PubMed 16199547 (cited by Labcorp Genetics (formerly Invitae), Labcorp); PubMed 19605684 (cited by Labcorp Genetics (formerly Invitae), Labcorp); PubMed 22885700 (cited by Labcorp Genetics (formerly Invitae), Labcorp); PubMed 24403048 (cited by Labcorp Genetics (formerly Invitae), Labcorp); PubMed 25075551 (cited by Labcorp Genetics (formerly Invitae), Labcorp); PubMed 26671848 (cited by Labcorp Genetics (formerly Invitae), Labcorp).